The following is an entry in ClinVar:

ClinVar aggregate classification (germline): Conflicting classifications of pathogenicity. Review status: criteria provided, conflicting classifications (1 of 4 stars). 20 submissions from 16 submitters: Uncertain significance (3); Benign (12); Likely benign (2). 3 of the submissions do not count toward it. Last evaluated 2026-03-01.

Conditions:
Cardiovascular phenotype. Identifiers: MedGen CN230736.
Dilated cardiomyopathy 1G (CMD1G). Identifiers: Orphanet 154, MedGen C1858763, MONDO:0011400, OMIM 604145.
Autosomal recessive limb-girdle muscular dystrophy type 2J (LGMDR10). Also called: Limb-girdle muscular dystrophy, type 2J; MUSCULAR DYSTROPHY, LIMB-GIRDLE, AUTOSOMAL RECESSIVE 10. Identifiers: Orphanet 140922, MedGen C1837342, MONDO:0012127, OMIM 608807.
Cardiomyopathy (CMYO). Also called: Cardiomyopathies. Identifiers: Orphanet 167848, MedGen C0878544, MONDO:0004994, HP:0001638. Inheritance: Various modes of inheritance.
Early-onset myopathy with fatal cardiomyopathy (CMYO5). Also called: Salih Myopathy; CONGENITAL MYOPATHY 5 WITH CARDIOMYOPATHY. Identifiers: Orphanet 289377, MedGen C2673677, MONDO:0012714, OMIM 611705. Disease mechanism: loss of function.
Tibial muscular dystrophy (TMD). Also called: UDD MYOPATHY; Tibial muscular dystrophy, tardive; Udd Distal Myopathy – Tibial Muscular Dystrophy. Identifiers: Orphanet 609, MedGen C1838244, MONDO:0010870, OMIM 600334.
Myopathy, myofibrillar, 9, with early respiratory failure (MFM9). Also called: Hereditary myopathy with early respiratory failure; MYOPATHY, PROXIMAL, WITH EARLY RESPIRATORY MUSCLE INVOLVEMENT; Myopathy, distal, with early respiratory failure, autosomal dominant; EDSTROM MYOPATHY. Identifiers: Orphanet 178464, Orphanet 34521, MedGen C1863599, MONDO:0011362, OMIM 603689.

Allele frequency attached by ClinVar (database versions not stated): gnomAD exomes 0.00027 and 0.00060; ExAC 0.00074; 1000 Genomes Project 0.00319; gnomAD 0.00244 and 0.00251; ESP Exome Variant Server 0.00201; TOPMed 0.00269; 1000 Genomes Project 30x 0.00328.
gnomAD v4.1: 802 of 1,613,822 alleles (0.05%); highest among the groups gnomAD compares: African/African-American, 0.84%; 9 homozygotes.

Submissions (20):

CeGaT Center for Human Genetics Tuebingen
Classification: Likely benign. Last evaluated: 2026-03-01. Review status: criteria provided, single submitter. Criteria: CeGaT Center For Human Genetics Tuebingen Variant Classification Criteria Version 2. Collection method: clinical testing. Allele origin: germline. Affected: yes. Observed: 6 variant alleles.
Comment: TTN: BP4, BP7

Labcorp Genetics (formerly Invitae), Labcorp
Classification: Benign for Dilated cardiomyopathy 1G; Autosomal recessive limb-girdle muscular dystrophy type 2J. Last evaluated: 2026-02-02. Review status: criteria provided, single submitter. Criteria: Invitae Variant Classification Sherloc (09022015). Collection method: clinical testing. Allele origin: germline.

Molecular Diagnostic Laboratory for Inherited Cardiovascular Disease, Montreal Heart Institute
Classification: Benign. Last evaluated: 2025-04-09. Review status: criteria provided, single submitter. Criteria: ACMG Guidelines, 2015. Collection method: clinical testing. Allele origin: germline. Affected: no.

Blueprint Genetics
Classification: Likely benign. Last evaluated: 2024-10-02. Review status: criteria provided, single submitter. Criteria: ACMG Guidelines, 2015. Collection method: clinical testing. Allele origin: germline.

ARUP Laboratories, Molecular Genetics and Genomics, ARUP Laboratories
Classification: Benign. Last evaluated: 2023-11-29. Review status: criteria provided, single submitter. Criteria: ARUP Molecular Germline Variant Investigation Process 2024. Collection method: clinical testing. Allele origin: germline.

CHEO Genetics Diagnostic Laboratory, Children's Hospital of Eastern Ontario
Classification: Benign for Cardiomyopathy. Last evaluated: 2023-06-06. Review status: criteria provided, single submitter. Criteria: ACMG Guidelines, 2015. Collection method: clinical testing. Allele origin: germline.

Women's Health and Genetics/Laboratory Corporation of America, LabCorp
Classification: Benign. Last evaluated: 2021-05-02. Review status: criteria provided, single submitter. Criteria: LabCorp Variant Classification Summary - May 2015. Collection method: clinical testing. Allele origin: germline.

Illumina Laboratory Services, Illumina
Classification: Benign for Tibial muscular dystrophy. Last evaluated: 2018-01-12. Review status: criteria provided, single submitter. Criteria: ICSL Variant Classification Criteria 13 December 2019. Collection method: clinical testing. Allele origin: germline.
Comment: This variant was observed in the ICSL laboratory as part of a predisposition screen in an ostensibly healthy population. It had not been previously curated by ICSL or reported in the Human Gene Mutation Database (HGMD: prior to June 1st, 2018), and was therefore a candidate for classification through an automated scoring system. Utilizing variant allele frequency, disease prevalence and penetrance estimates, and inheritance mode, an automated score was calculated to assess if this variant is too frequent to cause the disease. Based on the score and internal cut-off values, a variant classified as benign is not then subjected to further curation. The score for this variant resulted in a classification of benign for this disease.

Illumina Laboratory Services, Illumina
Classification: Benign for Myopathy, myofibrillar, 9, with early respiratory failure. Last evaluated: 2018-01-12. Review status: criteria provided, single submitter. Criteria: ICSL Variant Classification Criteria 13 December 2019. Collection method: clinical testing. Allele origin: germline.
Comment: the same text as in the submission from Illumina Laboratory Services, Illumina above.

Illumina Laboratory Services, Illumina
Classification: Uncertain significance for Early-onset myopathy with fatal cardiomyopathy. Last evaluated: 2018-01-12. Review status: criteria provided, single submitter. Criteria: ICSL Variant Classification Criteria 13 December 2019. Collection method: clinical testing. Allele origin: germline.

Illumina Laboratory Services, Illumina
Classification: Uncertain significance for Autosomal recessive limb-girdle muscular dystrophy type 2J. Last evaluated: 2018-01-12. Review status: criteria provided, single submitter. Criteria: ICSL Variant Classification Criteria 13 December 2019. Collection method: clinical testing. Allele origin: germline.

Illumina Laboratory Services, Illumina
Classification: Uncertain significance for Dilated cardiomyopathy 1G. Last evaluated: 2018-01-12. Review status: criteria provided, single submitter. Criteria: ICSL Variant Classification Criteria 13 December 2019. Collection method: clinical testing. Allele origin: germline.

Ambry Genetics
Classification: Benign for Cardiovascular phenotype. Last evaluated: 2015-10-23. Review status: criteria provided, single submitter. Criteria: Ambry Variant Classification Scheme 2023. Collection method: clinical testing. Allele origin: germline.

Mayo Clinic Laboratories, Mayo Clinic
Classification: Benign. Last evaluated: 2015-07-02. Review status: criteria provided, single submitter. Criteria: ACMG Guidelines, 2015. Collection method: clinical testing. Allele origin: germline. Observed: 6 variant alleles.

Eurofins Ntd Llc (ga)
Classification: Benign. Last evaluated: 2015-06-09. Review status: criteria provided, single submitter. Criteria: EGL Classification Definitions 2015. Collection method: clinical testing. Allele origin: germline. Observed: 1 variant allele, 1 heterozygote.

GeneDx
Classification: Benign. Last evaluated: 2014-03-28. Review status: criteria provided, single submitter. Criteria: GeneDx Variant Classification (06012015). Collection method: clinical testing. Allele origin: germline. Affected: yes.
Comment: This variant is considered likely benign or benign based on one or more of the following criteria: it is a conservative change, it occurs at a poorly conserved position in the protein, it is predicted to be benign by multiple in silico algorithms, and/or has population frequency not consistent with disease.

Laboratory for Molecular Medicine, Mass General Brigham Personalized Medicine
Classification: Benign. Last evaluated: 2012-03-19. Review status: criteria provided, single submitter. Criteria: LMM Criteria. Collection method: clinical testing. Allele origin: germline. Observed: 5 variant alleles.
Comment: p.Ser29599Ser in Exon 296 of TTN: This variant is not expected to have clinical significance because it does not alter an amino acid residue, is not located wit hin the splice consensus sequence and has been identified in 0.6% (18/3048) of A frican American chromosomes from a broad population by the NHLBI Exome Sequencin g Project (dbSNP rs139223781).

Clinical Genetics DNA and cytogenetics Diagnostics Lab, Erasmus MC, Erasmus Medical Center
Classification: Likely benign. Review status: no assertion criteria provided. Collection method: clinical testing. Allele origin: germline. Affected: yes. Study: VKGL Data-share Consensus. Not counted in ClinVar's aggregate classification.

Clinical Genetics, Academic Medical Center
Classification: Benign. Review status: no assertion criteria provided. Collection method: clinical testing. Allele origin: germline. Affected: yes. Study: VKGL Data-share Consensus. Not counted in ClinVar's aggregate classification.

Diagnostic Laboratory, Department of Genetics, University Medical Center Groningen
Classification: Likely benign. Review status: no assertion criteria provided. Collection method: clinical testing. Allele origin: germline. Affected: yes. Study: VKGL Data-share Consensus. Not counted in ClinVar's aggregate classification.

NM_001267550.2(TTN):c.96501T>C (p.Ser32167=)

Genes: TTN (titin; minus strand), TTN-AS1 (TTN antisense RNA 1; plus strand), LOC126806421 (CDK7 strongly-dependent group 2 enhancer GRCh37_chr2:179407630-179408829; plus strand). Cytogenetic location: 2q31.2.
Variant type: single nucleotide variant.
Coding change: c.96501T>C on transcript NM_001267550.2 (MANE Select); coding-DNA position 96501, T replaced by C.
Protein change: p.Ser32167=; no amino-acid change (serine 32167 retained).
Molecular consequence: synonymous variant.
Genome position (GRCh38, 1-based): chr2:178,543,472, A>G on the plus strand (T>C on the coding strand, the complement: TTN is on the minus strand). VCF-style: chr2-178543472-A-G. GRCh37 (hg19) VCF-style: chr2-179408199-A-G.
Other names: p.S30526S:TCT>TCC; p.Ser30526=; c.69882T>C, p.Ser23294= (NM_133437.4); c.91578T>C, p.Ser30526= (NM_001256850.1); c.69306T>C, p.Ser23102= (NM_003319.4); c.88797T>C, p.Ser29599= (NM_133378.4); c.69681T>C, p.Ser23227= (NM_133432.3).
Identifiers: ClinVar variation 96318 (VCV000096318.69), dbSNP rs139223781, ClinGen allele CA295734.